The following is an entry in ClinVar:

ClinVar aggregate classification (germline): Uncertain significance (1 of 4 stars; one submission).

Allele frequency attached by ClinVar (database versions not stated): gnomAD 0.00001.

Submission:

Labcorp Genetics (formerly Invitae), Labcorp
Classification: Uncertain significance. Last evaluated: 2022-05-21. Review status: criteria provided, single submitter. Criteria: Invitae Variant Classification Sherloc (09022015). Collection method: clinical testing. Allele origin: germline.
Comment: This variant is not present in population databases (gnomAD no frequency). In summary, the available evidence is currently insufficient to determine the role of this variant in disease. Therefore, it has been classified as a Variant of Uncertain Significance. Algorithms developed to predict the effect of missense changes on protein structure and function are either unavailable or do not agree on the potential impact of this missense change (SIFT: "Deleterious"; PolyPhen-2: "Not Available"; Align-GVGD: "Class C65"). This variant has not been reported in the literature in individuals affected with ATP5D-related conditions. This sequence change replaces arginine, which is basic and polar, with proline, which is neutral and non-polar, at codon 20 of the ATP5D protein (p.Arg20Pro).

NM_001687.5(ATP5F1D):c.59G>C (p.Arg20Pro)

Gene: ATP5F1D (ATP synthase F1 subunit delta; plus strand). Cytogenetic location: 19p13.3.
Variant type: single nucleotide variant.
Coding change: c.59G>C on transcript NM_001687.5 (MANE Select); coding-DNA position 59, G replaced by C.
Protein change: p.Arg20Pro; replaces arginine 20 with proline.
Molecular consequence: missense variant.
Genome position (GRCh38, 1-based): chr19:1,241,909, G>C. VCF-style: chr19-1241909-G-C. GRCh37 (hg19) VCF-style: chr19-1241908-G-C.
Other names: c.59G>C, p.Arg20Pro (NM_001001975.2); short protein forms R20P.
Identifiers: ClinVar variation 2193534 (VCV002193534.4), dbSNP rs1160385000, ClinGen allele CA402978941.